The following is an entry in ClinVar:

ClinVar aggregate classification (germline): Uncertain significance (1 of 4 stars; one submission).

Conditions:
Familial thoracic aortic aneurysm and aortic dissection (TAAD). Also called: Thoracic aortic aneurysms and dissections. Identifiers: Orphanet 91387, MedGen C4707243, MONDO:0019625.

Allele frequency attached by ClinVar (database versions not stated): gnomAD exomes 0.00001.
gnomAD v4.1: 19 of 1,612,340 alleles (0.0012%); highest among the groups gnomAD compares: Non-Finnish European, 0.0015%; no homozygotes.

Submission:

Ambry Genetics
Classification: Uncertain significance for Familial thoracic aortic aneurysm and aortic dissection. Last evaluated: 2021-11-09. Review status: criteria provided, single submitter. Criteria: Ambry Variant Classification Scheme 2023. Collection method: clinical testing. Allele origin: germline.
Comment: The p.F435S variant (also known as c.1304T>C), located in coding exon 11 of the PRKG1 gene, results from a T to C substitution at nucleotide position 1304. The phenylalanine at codon 435 is replaced by serine, an amino acid with highly dissimilar properties. This amino acid position is conserved. In addition, the in silico prediction for this alteration is inconclusive. Since supporting evidence is limited at this time, the clinical significance of this alteration remains unclear.

NM_006258.4(PRKG1):c.1304T>C (p.Phe435Ser)

Gene: PRKG1 (protein kinase cGMP-dependent 1; plus strand). Cytogenetic location: 10q21.1.
Variant type: single nucleotide variant.
Coding change: c.1304T>C on transcript NM_006258.4 (MANE Select); coding-DNA position 1304, T replaced by C.
Protein change: p.Phe435Ser; replaces phenylalanine 435 with serine.
Molecular consequence: missense variant.
Genome position (GRCh38, 1-based): chr10:52,271,480, T>C. VCF-style: chr10-52271480-T-C. GRCh37 (hg19) VCF-style: chr10-54031240-T-C.
Other names: c.1259T>C, p.Phe420Ser (NM_001098512.3); c.95T>C, p.Phe32Ser (NM_001374781.1); short protein forms F32S, F435S, F420S.
Identifiers: ClinVar variation 1769484 (VCV001769484.2), dbSNP rs1317408949, ClinGen allele CA376535466.